The following is an entry in ClinVar:

ClinVar aggregate classification (germline): Pathogenic/Likely pathogenic. Review status: criteria provided, multiple submitters, no conflicts (2 of 4 stars). 2 submissions from 2 submitters: Pathogenic (1); Likely pathogenic (1). Last evaluated 2026-05-16.

Conditions:
Neuropathy, congenital hypomyelinating, 3. Identifiers: MedGen C4748608, MONDO:0020766, OMIM 618186.

gnomAD v4.1: 5 of 1,614,128 alleles (0.00031%); highest among the groups gnomAD compares: South Asian, 0.0011%; no homozygotes.

Submissions (2):

Victorian Clinical Genetics Services, Murdoch Childrens Research Institute
Classification: Pathogenic for Neuropathy, congenital hypomyelinating, 3. Last evaluated: 2026-05-16. Review status: criteria provided, single submitter. Criteria: ACMG Guidelines, 2015. Collection method: clinical testing. Allele origin: germline. Affected: yes.
Comment: This variant is classified as Pathogenic. Evidence in support of pathogenic classification: Variant is predicted to cause nonsense-mediated decay (NMD) and loss of protein (premature termination codon is located at least 54 nucleotides upstream of the final exon-exon junction); Variant is present in gnomAD <0.01 for a recessive condition (v4: 5 heterozygote(s), 0 homozygote(s)); This variant has limited previous evidence of pathogenicity in an unrelated individual(s). This variant has been reported as likely pathogenic by a clinical laboratory in ClinVar; Other NMD-predicted variant(s) comparable to the one identified in this case have very strong previous evidence for pathogenicity (DECIPHER, PMID: 41656591). Additional information: This variant is heterozygous; This gene is associated with autosomal recessive disease; Loss of function is a known mechanism of disease in this gene and is associated with hypomyelinating neuropathy, congenital, 3, (MIM#618186) and lethal congenital contracture syndrome 7 (MIM#616286); Heterozygous variant detected in trans with a second PATHOGENIC heterozygous variant (NM_003632.3(CNTNAP1):c.2503C>T; p.(Arg835*)) in a recessive disease.

Revvity Omics, Revvity
Classification: Likely pathogenic. Last evaluated: 2022-02-01. Review status: criteria provided, single submitter. Criteria: ACMG Guidelines, 2015. Collection method: clinical testing. Allele origin: germline.

Literature cited by the submitters: PubMed 41656591 (cited by Victorian Clinical Genetics Services, Murdoch Childrens Research Institute).

NM_003632.3(CNTNAP1):c.2089C>T (p.Arg697Ter)

Gene: CNTNAP1 (contactin associated protein 1; plus strand). Cytogenetic location: 17q21.2.
Variant type: single nucleotide variant.
Coding change: c.2089C>T on transcript NM_003632.3 (MANE Select); coding-DNA position 2089, C replaced by T.
Protein change: p.Arg697Ter; replaces arginine 697 with a stop codon.
Molecular consequence: nonsense.
Genome position (GRCh38, 1-based): chr17:42,691,166, C>T. VCF-style: chr17-42691166-C-T. GRCh37 (hg19) VCF-style: chr17-40843184-C-T.
Other names: short protein forms R697*.
Identifiers: ClinVar variation 2439167 (VCV002439167.4), dbSNP rs2543797507, ClinGen allele CA399645729.